The following is an entry in ClinVar:

ClinVar aggregate classification (germline): Likely benign. Review status: criteria provided, single submitter (1 of 4 stars). 2 submissions from 2 submitters: Likely benign (1). 1 of the submissions does not count toward it. Last evaluated 2026-01-21.

Conditions:
Meckel-Gruber syndrome. Also called: Dysencephalia splachnocystica; GRUBER SYNDROME; DYSENCEPHALIA SPLANCHNOCYSTICA. Identifiers: Orphanet 564, MedGen C0265215, MONDO:0018921.
Joubert syndrome. Also called: Familial aplasia of the vermis; JOUBERT-BOLTSHAUSER SYNDROME. Identifiers: Orphanet 475, MedGen C5979921, MONDO:0018772.
MKS1-related disorder. Also called: MKS1-related condition; MKS1-related disorders. Identifiers: MedGen CN239382.

Allele frequency attached by ClinVar (database versions not stated): gnomAD exomes 0.00003 and 0.00002; gnomAD 0.00005 and 0.00006; TOPMed 0.00005; ExAC 0.00002.

Submissions (2):

Labcorp Genetics (formerly Invitae), Labcorp
Classification: Likely benign for Joubert syndrome; Meckel-Gruber syndrome. Last evaluated: 2026-01-21. Review status: criteria provided, single submitter. Criteria: Invitae Variant Classification Sherloc (09022015). Collection method: clinical testing. Allele origin: germline.

PreventionGenetics, part of Exact Sciences
Classification: Likely benign for MKS1-related condition. Last evaluated: 2022-10-18. Review status: no assertion criteria provided. Collection method: clinical testing. Allele origin: germline. Not counted in ClinVar's aggregate classification.
Comment: This variant is classified as likely benign based on ACMG/AMP sequence variant interpretation guidelines (Richards et al. 2015 PMID: 25741868, with internal and published modifications).

NM_017777.4(MKS1):c.894C>T (p.Leu298=)

Gene: MKS1 (MKS transition zone complex subunit 1; minus strand). Cytogenetic location: 17q22.
Variant type: single nucleotide variant.
Coding change: c.894C>T on transcript NM_017777.4 (MANE Select); coding-DNA position 894, C replaced by T.
Protein change: p.Leu298=; no amino-acid change (leucine 298 retained).
Molecular consequence: synonymous variant.
Genome position (GRCh38, 1-based): chr17:58,212,399, G>A on the plus strand (C>T on the coding strand, the complement: MKS1 is on the minus strand). VCF-style: chr17-58212399-G-A. GRCh37 (hg19) VCF-style: chr17-56289760-G-A.
Other names: c.894C>T (NM_017777.3); c.285C>T, p.Leu95= (NM_001321268.2); c.894C>T, p.Leu298= (NM_001321269.2, NM_001330397.2).
Identifiers: ClinVar variation 1077552 (VCV001077552.11), dbSNP rs754839039, ClinGen allele CA8669368.